The following is an entry in ClinVar:

ClinVar aggregate classification (germline): Uncertain significance (1 of 4 stars; one submission).

Conditions:
Autosomal dominant childhood-onset proximal spinal muscular atrophy with contractures (SMALED2A). Also called: Spinal muscular atrophy, lower extremity-predominant, 2A, autosomal dominant; SPINAL MUSCULAR ATROPHY, LOWER EXTREMITY-PREDOMINANT, 2A, CHILDHOOD ONSET, AUTOSOMAL DOMINANT. Identifiers: Orphanet 363447, Orphanet 363454, MedGen C4747715, MONDO:0014121, OMIM 615290.

Submission:

Labcorp Genetics (formerly Invitae), Labcorp
Classification: Uncertain significance for Autosomal dominant childhood-onset proximal spinal muscular atrophy with contractures. Last evaluated: 2022-09-24. Review status: criteria provided, single submitter. Criteria: Invitae Variant Classification Sherloc (09022015). Collection method: clinical testing. Allele origin: germline.
Comment: In summary, the available evidence is currently insufficient to determine the role of this variant in disease. Therefore, it has been classified as a Variant of Uncertain Significance. Advanced modeling of protein sequence and biophysical properties (such as structural, functional, and spatial information, amino acid conservation, physicochemical variation, residue mobility, and thermodynamic stability) performed at Invitae indicates that this missense variant is not expected to disrupt BICD2 protein function. This variant has not been reported in the literature in individuals affected with BICD2-related conditions. This variant is not present in population databases (gnomAD no frequency). This sequence change replaces glutamine, which is neutral and polar, with arginine, which is basic and polar, at codon 466 of the BICD2 protein (p.Gln466Arg).

NM_001003800.2(BICD2):c.1397A>G (p.Gln466Arg)

Gene: BICD2 (BICD cargo adaptor 2; minus strand). Cytogenetic location: 9q22.31.
Variant type: single nucleotide variant.
Coding change: c.1397A>G on transcript NM_001003800.2 (MANE Select); coding-DNA position 1397, A replaced by G.
Protein change: p.Gln466Arg; replaces glutamine 466 with arginine.
Molecular consequence: missense variant.
Genome position (GRCh38, 1-based): chr9:92,719,248, T>C on the plus strand (A>G on the coding strand, the complement: BICD2 is on the minus strand). VCF-style: chr9-92719248-T-C. GRCh37 (hg19) VCF-style: chr9-95481530-T-C.
Other names: c.1397A>G, p.Gln466Arg (NM_015250.4); short protein forms Q466R.
Identifiers: ClinVar variation 1720270 (VCV001720270.6), dbSNP rs2490446244, ClinGen allele CA374038398.
Genomic context (GRCh38, chr9:92,719,248, plus strand): 5'-GAGACCTTCTCCGTGAGTGCCTGGCCCTCAGCCTCATAGCGGCCCTTCTCCTCGGCGTGC[T>C]GGGCCTCACGAGCCTCGTGCGTGCTGCGCAGTGCCTTGAGCTGCTCGCGGAGCTCGCCAG-3'
Protein context (NP_001003800.1, residues 456-476): LRSTHEAREA[Gln466Arg]HAEEKGRYEA